The following is an entry in ClinVar:

ClinVar aggregate classification (germline): Uncertain significance (1 of 4 stars; one submission).

Conditions:
Cardiovascular phenotype. Identifiers: MedGen CN230736.

Allele frequency attached by ClinVar (database versions not stated): TOPMed below 0.00001; gnomAD 0.00001.
gnomAD v4.1: 1 of 1,613,826 alleles (0.000062%); highest among the groups gnomAD compares: African/African-American, 0.0013%; no homozygotes.

Submission:

Ambry Genetics
Classification: Uncertain significance for Cardiovascular phenotype. Last evaluated: 2022-01-27. Review status: criteria provided, single submitter. Criteria: Ambry Variant Classification Scheme 2023. Collection method: clinical testing. Allele origin: germline.
Comment: The p.V1764F variant (also known as c.5290G>T), located in coding exon 37 of the LAMA4 gene, results from a G to T substitution at nucleotide position 5290. The valine at codon 1764 is replaced by phenylalanine, an amino acid with highly similar properties. This amino acid position is well conserved in available vertebrate species. In addition, this alteration is predicted to be deleterious by in silico analysis. The evidence for this gene-disease relationship is limited; therefore, the clinical significance of this alteration is unclear.

NM_001105206.3(LAMA4):c.5311G>T (p.Val1771Phe)

Gene: LAMA4 (laminin subunit alpha 4; minus strand). Cytogenetic location: 6q21.
Variant type: single nucleotide variant.
Coding change: c.5311G>T on transcript NM_001105206.3 (MANE Select); coding-DNA position 5311, G replaced by T.
Protein change: p.Val1771Phe; replaces valine 1771 with phenylalanine.
Molecular consequence: missense variant.
Genome position (GRCh38, 1-based): chr6:112,114,091, C>A on the plus strand (G>T on the coding strand, the complement: LAMA4 is on the minus strand). VCF-style: chr6-112114091-C-A. GRCh37 (hg19) VCF-style: chr6-112435294-C-A.
Other names: c.5290G>T, p.Val1764Phe (NM_001105207.3, NM_002290.5); short protein forms V1764F, V1771F.
Identifiers: ClinVar variation 1746636 (VCV001746636.2), dbSNP rs1777865215, ClinGen allele CA365364084.
Genomic context (GRCh38, chr6:112,114,091, plus strand): 5'-TCAGTTTTTTGGATTGGGAACTTTTCCTTTTTAAACAACACTTACCTGGAACACCTCCAA[C>A]AAACACAGGCTCCCTGTGATCAATTGGTTTTGGATTCAGGGGTCCAACCACATGGTTCAC-3'
Protein context (NP_001098676.2, residues 1761-1781): KPIDHREPVF[Val1771Phe]GGVPESLLTP